The following is an entry in ClinVar:

ClinVar aggregate classification (germline): Uncertain significance (1 of 4 stars; one submission).

Submission:

Mayo Clinic Laboratories, Mayo Clinic
Classification: Uncertain significance. Last evaluated: 2024-06-07. Review status: criteria provided, single submitter. Criteria: ACMG Guidelines, 2015. Collection method: clinical testing. Allele origin: germline. Observed: 1 variant allele.
Comment: BP4, PM2

NM_001267550.2(TTN):c.70810C>A (p.Gln23604Lys)

Genes: TTN (titin; minus strand), TTN-AS1 (TTN antisense RNA 1; plus strand). Cytogenetic location: 2q31.2.
Variant type: single nucleotide variant.
Coding change: c.70810C>A on transcript NM_001267550.2 (MANE Select); coding-DNA position 70810, C replaced by A.
Protein change: p.Gln23604Lys; replaces glutamine 23604 with lysine.
Molecular consequence: missense variant.
Genome position (GRCh38, 1-based): chr2:178,575,322, G>T on the plus strand (C>A on the coding strand, the complement: TTN is on the minus strand). VCF-style: chr2-178575322-G-T. GRCh37 (hg19) VCF-style: chr2-179440049-G-T.
Other names: p.Gln21963Lys; c.65887C>A, p.Gln21963Lys (NM_001256850.1); c.43615C>A, p.Gln14539Lys (NM_003319.4); c.63106C>A, p.Gln21036Lys (NM_133378.4); c.43990C>A, p.Gln14664Lys (NM_133432.3); c.44191C>A, p.Gln14731Lys (NM_133437.4); short protein forms Q14539K, Q14664K, Q14731K, Q21036K, Q21963K, Q23604K.
Identifiers: ClinVar variation 3380877 (VCV003380877.1).